The following is an entry in ClinVar:

NM_012463.4(ATP6V0A2):c.924dup (p.Tyr309fs)

Gene: ATP6V0A2 (ATPase H+ transporting V0 subunit a2; plus strand). Cytogenetic location: 12q24.31.
Variant type: Duplication.
Coding change: c.924dup on transcript NM_012463.4 (MANE Select); coding-DNA position 924, one base duplicated (C; older notation c.924dupC).
Protein change: p.Tyr309fs; shifts the reading frame from tyrosine 309.
Molecular consequence: frameshift variant.
Genome position (GRCh38, 1-based): chr12:123,737,157, C duplicated. VCF-style (leftmost placement, unchanged base first): chr12-123737156-T-TC. GRCh37 (hg19) VCF-style: chr12-124221703-T-TC.
Other names: c.924dupC (NM_012463.3); short protein forms Y309fs.
Identifiers: ClinVar variation 4700791 (VCV004700791.2).

ClinVar aggregate classification (germline): Pathogenic/Likely pathogenic. Review status: criteria provided, multiple submitters, no conflicts (2 of 4 stars). 2 submissions from 2 submitters: Pathogenic (1); Likely pathogenic (1). Last evaluated 2026-06-21.

Conditions:
ATP6V0A2-related disorder. Also called: ATP6V0A2-related condition.
ALG9 congenital disorder of glycosylation (CDG1L). Also called: CDG Il; CONGENITAL DISORDER OF GLYCOSYLATION, TYPE Il; ALG9-CDG. Identifiers: Orphanet 79328, MedGen C2931006, MONDO:0012117, OMIM 608776.

Submissions (2):

PreventionGenetics, part of Exact Sciences
Classification: Likely pathogenic for ATP6V0A2-related condition. Last evaluated: 2026-06-21. Review status: criteria provided, single submitter. Criteria: ACMG Guidelines, 2015. Collection method: clinical testing. Allele origin: germline.
Comment: The ATP6V0A2 c.924dupC variant is predicted to result in a frameshift and premature protein termination (p.Tyr309Leufs*10). To our knowledge, this variant has not been reported in the literature. This variant is reported in 0.00088% of alleles in individuals of European (Non-Finnish) descent in gnomAD. Frameshift variants in ATP6V0A2 are expected to be pathogenic. This variant is interpreted as likely pathogenic.

Labcorp Genetics (formerly Invitae), Labcorp
Classification: Pathogenic for ALG9 congenital disorder of glycosylation. Last evaluated: 2025-12-30. Review status: criteria provided, single submitter. Criteria: Invitae Variant Classification Sherloc (09022015). Collection method: clinical testing. Allele origin: germline.
Comment: This sequence change creates a premature translational stop signal (p.Tyr309Leufs*10) in the ATP6V0A2 gene. It is expected to result in an absent or disrupted protein product. Loss-of-function variants in ATP6V0A2 are known to be pathogenic (PMID: 18157129, 19321599). This variant is present in population databases (no rsID available, gnomAD 0.0009%). This variant has not been reported in the literature in individuals affected with ATP6V0A2-related conditions. For these reasons, this variant has been classified as Pathogenic.

Literature cited by the submitters: PubMed 18157129 (cited by Labcorp Genetics (formerly Invitae), Labcorp); PubMed 19321599 (cited by Labcorp Genetics (formerly Invitae), Labcorp).